The following is an entry in ClinVar:

NM_000553.6(WRN):c.3383+1G>T

Gene: WRN (WRN RecQ like helicase; plus strand). Cytogenetic location: 8p12.
Variant type: single nucleotide variant.
Coding change: c.3383+1G>T on transcript NM_000553.6 (MANE Select); the canonical splice donor site of the intron after coding-DNA position 3383, G replaced by T.
Molecular consequence: splice donor variant.
Genome position (GRCh38, 1-based): chr8:31,143,624, G>T. VCF-style: chr8-31143624-G-T. GRCh37 (hg19) VCF-style: chr8-31001140-G-T.
Identifiers: ClinVar variation 644283 (VCV000644283.10), dbSNP rs1413656527, ClinGen allele CA370924274.
Genomic context (GRCh38, chr8:31,143,624, plus strand): 5'-GTTATATTCTTATAAACCATGTGATAAGATTTCTTCTGGGAGTAACATTTCTAAAAAAAG[G>T]TACAGAGTTCCATATTTCTATGTTCTATACTTGCTTTATGAGTACTTTTTTTTCTAAAGA-3'

ClinVar aggregate classification (germline): Pathogenic. Review status: criteria provided, multiple submitters, no conflicts (2 of 4 stars). 2 submissions from 2 submitters: Pathogenic (2). Last evaluated 2026-03-05.

Conditions:
Werner syndrome (WRN). Identifiers: Orphanet 902, MedGen C0043119, MONDO:0010196, OMIM 277700.

Allele frequency attached by ClinVar (database versions not stated): gnomAD exomes 0.00001.
gnomAD v4.1: 2 of 1,576,388 alleles (0.00013%); highest among the groups gnomAD compares: Admixed American, 0.0017%; no homozygotes.

Submissions (3):

Mendelics
Classification: Pathogenic for Werner syndrome. Last evaluated: 2026-03-05. Review status: criteria provided, single submitter. Criteria: ACMG Guidelines, 2015. Collection method: clinical testing. Allele origin: unknown.
Comment: Likely pathogenic/Pathogenic according to ACMG criteria.

Labcorp Genetics (formerly Invitae), Labcorp
Classification: Pathogenic for Werner syndrome. Last evaluated: 2025-08-21. Review status: criteria provided, single submitter. Criteria: Invitae Variant Classification Sherloc (09022015). Collection method: clinical testing. Allele origin: germline.
Comment: This sequence change affects a donor splice site in intron 28 of the WRN gene. RNA analysis indicates that disruption of this splice site induces altered splicing and may result in an absent or altered protein product. This variant is present in population databases (no rsID available, gnomAD 0.003%). Disruption of this splice site has been observed in individual(s) with Werner syndrome (PMID: 8968742). ClinVar contains an entry for this variant (Variation ID: 644283). Studies have shown that disruption of this splice site results in skipping of exon 28, and produces a non-functional protein and/or introduces a premature termination codon (PMID: 8968742, 16673358; internal data). For these reasons, this variant has been classified as Pathogenic.

Dr. Peter K. Rogan Lab, Western University
No classification provided (evidence only). Condition: Chronic lymphocytic leukemia/small lymphocytic lymphoma. Review status: no classification provided. Collection method: in vitro. Allele origin: not applicable. Functional consequence: skipped exon. Not counted in ClinVar's aggregate classification.

Literature cited by the submitters: PubMed 8968742 (cited by Labcorp Genetics (formerly Invitae), Labcorp); PubMed 16673358 (cited by Labcorp Genetics (formerly Invitae), Labcorp).